The following is an entry in ClinVar:

NM_031935.3(HMCN1):c.1363A>G (p.Ser455Gly)

Gene: HMCN1 (hemicentin 1; plus strand). Cytogenetic location: 1q31.1.
Variant type: single nucleotide variant.
Coding change: c.1363A>G on transcript NM_031935.3 (MANE Select); coding-DNA position 1363, A replaced by G.
Protein change: p.Ser455Gly; replaces serine 455 with glycine.
Molecular consequence: missense variant.
Genome position (GRCh38, 1-based): chr1:185,925,124, A>G. VCF-style: chr1-185925124-A-G. GRCh37 (hg19) VCF-style: chr1-185894256-A-G.
Other names: short protein forms S455G.
Identifiers: ClinVar variation 1927896 (VCV001927896.5), dbSNP rs1182902934, ClinGen allele CA343895280.

ClinVar aggregate classification (germline): Uncertain significance (1 of 4 stars; one submission).

Allele frequency attached by ClinVar (database versions not stated): gnomAD 0.00001; gnomAD exomes 0.00001; TOPMed 0.00001.
gnomAD v4.1: 12 of 1,613,834 alleles (0.00074%); highest among the groups gnomAD compares: Non-Finnish European, 0.001%; no homozygotes.

Submission:

Labcorp Genetics (formerly Invitae), Labcorp
Classification: Uncertain significance. Last evaluated: 2022-06-08. Review status: criteria provided, single submitter. Criteria: Invitae Variant Classification Sherloc (09022015). Collection method: clinical testing. Allele origin: germline.
Comment: In summary, the available evidence is currently insufficient to determine the role of this variant in disease. Therefore, it has been classified as a Variant of Uncertain Significance. Algorithms developed to predict the effect of missense changes on protein structure and function are either unavailable or do not agree on the potential impact of this missense change (SIFT: "Deleterious"; PolyPhen-2: "Probably Damaging"; Align-GVGD: "Class C0"). This variant has not been reported in the literature in individuals affected with HMCN1-related conditions. This variant is not present in population databases (gnomAD no frequency). This sequence change replaces serine, which is neutral and polar, with glycine, which is neutral and non-polar, at codon 455 of the HMCN1 protein (p.Ser455Gly).